The following is an entry in ClinVar:

ClinVar aggregate classification (germline): Uncertain significance (1 of 4 stars; one submission).

Allele frequency attached by ClinVar (database versions not stated): gnomAD exomes below 0.00001.
gnomAD v4.1: 1 of 1,613,984 alleles (0.000062%); highest among the groups gnomAD compares: African/African-American, 0.0013%; no homozygotes.

Submission:

Women's Health and Genetics/Laboratory Corporation of America, LabCorp
Classification: Uncertain significance. Last evaluated: 2023-11-03. Review status: criteria provided, single submitter. Criteria: LabCorp Variant Classification Summary - May 2015. Collection method: clinical testing. Allele origin: germline.
Comment: Variant summary: DEPDC5 c.483+6A>G alters a non-conserved nucleotide located close to a canonical splice site and therefore could affect mRNA splicing, leading to a significantly altered protein sequence. Consensus agreement among computation tools predict no significant impact on normal splicing. However, these predictions have yet to be confirmed by functional studies. The variant was absent in 249396 control chromosomes (gnomAD). The available data on variant occurrences in the general population are insufficient to allow any conclusion about variant significance. To our knowledge, no occurrence of c.483+6A>G in individuals affected with Epilepsy, Familial Focal, With Variable Foci 1 and no experimental evidence demonstrating its impact on protein function have been reported. No submitters have cited clinical-significance assessments for this variant to ClinVar after 2014. Based on the evidence outlined above, the variant was classified as uncertain significance.

NM_001242896.3(DEPDC5):c.483+6A>G

Gene: DEPDC5 (DEP domain containing 5, GATOR1 subcomplex subunit; plus strand). Cytogenetic location: 22q12.2.
Variant type: single nucleotide variant.
Coding change: c.483+6A>G on transcript NM_001242896.3 (MANE Select); 6 bases into the intron after coding-DNA position 483, A replaced by G.
Molecular consequence: intron variant.
Genome position (GRCh38, 1-based): chr22:31,778,174, A>G. VCF-style: chr22-31778174-A-G. GRCh37 (hg19) VCF-style: chr22-32174160-A-G.
Other names: c.483+6A>G (NM_001364318.2, NM_001136029.4, NM_014662.6 and 7 more transcripts); c.399+6A>G (NM_001369902.1, NM_001369901.1).
Identifiers: ClinVar variation 2682282 (VCV002682282.1), dbSNP rs2518229913, ClinGen allele CA2656261275.